The following is an entry in ClinVar:

NM_022552.5(DNMT3A):c.249C>A (p.Gly83=)

Gene: DNMT3A (DNA methyltransferase 3 alpha; minus strand). Cytogenetic location: 2p23.3.
Variant type: single nucleotide variant.
Coding change: c.249C>A on transcript NM_022552.5 (MANE Select); coding-DNA position 249, C replaced by A.
Protein change: p.Gly83=; no amino-acid change (glycine 83 retained).
Molecular consequence: synonymous variant. On other transcripts: non-coding transcript variant (1).
Genome position (GRCh38, 1-based): chr2:25,282,640, G>T on the plus strand (C>A on the coding strand, the complement: DNMT3A is on the minus strand). VCF-style: chr2-25282640-G-T. GRCh37 (hg19) VCF-style: chr2-25505509-G-T.
Other names: c.249C>A, p.Gly83= (NM_001320892.2, NM_175629.2, NM_175630.1).
Identifiers: ClinVar variation 3046683 (VCV003046683.2), dbSNP rs1337746913, ClinGen allele CA425353995.
Genomic context (GRCh38, chr2:25,282,640, plus strand): 5'-CTCCTCTGGCTGGGGCTCACTCCGCTTCTCCAAGTCCCCATTGGGTAATAGCTCTGAGGC[G>T]CCTGAGTCCTGGGCCATGGATGGGGACTTGGAGATCACCGCAGGGTCCTTTGGCGTGTCA-3'
Protein context (NP_072046.2, residues 73-93): SKSPSMAQDS[Gly83=]ASELLPNGDL

ClinVar aggregate classification (germline): Likely benign (0 of 4 stars; one submission).

Conditions:
DNMT3A-related disorder. Also called: DNMT3A-related disorders; DNMT3A-related condition.

Submission:

PreventionGenetics, part of Exact Sciences
Classification: Likely benign for DNMT3A-related condition. Last evaluated: 2023-05-24. Review status: no assertion criteria provided. Collection method: clinical testing. Allele origin: germline.
Comment: This variant is classified as likely benign based on ACMG/AMP sequence variant interpretation guidelines (Richards et al. 2015 PMID: 25741868, with internal and published modifications).